The following is an entry in ClinVar:

ClinVar aggregate classification (germline): Likely benign (1 of 4 stars; one submission).

Submission:

CeGaT Center for Human Genetics Tuebingen
Classification: Likely benign. Last evaluated: 2026-05-01. Review status: criteria provided, single submitter. Criteria: CeGaT Center For Human Genetics Tuebingen Variant Classification Criteria Version 2. Collection method: clinical testing. Allele origin: germline. Affected: yes. Observed: 1 variant allele.
Comment: ZNF280B: PM2:Supporting, BP4, BP7

NM_080764.4(ZNF280B):c.1098C>T (p.His366=)

Genes: IGL (immunoglobulin lambda locus; plus strand), ZNF280B (zinc finger protein 280B; minus strand). Cytogenetic location: 22q11.22.
Variant type: single nucleotide variant.
Coding change: c.1098C>T on transcript NM_080764.4 (MANE Select); coding-DNA position 1098, C replaced by T.
Protein change: p.His366=; no amino-acid change (histidine 366 retained).
Molecular consequence: synonymous variant. On other transcripts: non-coding transcript variant (1).
Genome position (GRCh38, 1-based): chr22:22,488,301, G>A on the plus strand (C>T on the coding strand, the complement: ZNF280B is on the minus strand). VCF-style: chr22-22488301-G-A. GRCh37 (hg19) VCF-style: chr22-22842626-G-A.
Identifiers: ClinVar variation 4872774 (VCV004872774.2).
Genomic context (GRCh38, chr22:22,488,301, plus strand): 5'-CTGATCTGTTTCAAATGACAATTCACAGATTTTACAGACAGTAGAGGGCTCCTGGGCAGT[G>A]TGGACATTTTCGATGTGACACTGTAGCTGGAAGGGAGTGGGAAACTGCCGGTGGCAGTGC-3'
Protein context (NP_542942.2, residues 356-376): FQLQCHIENV[His366=]TAQEPSTVCK